The following is an entry in ClinVar:

NM_033380.3(COL4A5):c.1717G>A (p.Gly573Ser)

Gene: COL4A5 (collagen type IV alpha 5 chain; plus strand). Cytogenetic location: Xq22.3.
Variant type: single nucleotide variant.
Coding change: c.1717G>A on transcript NM_033380.3 (MANE Select); coding-DNA position 1717, G replaced by A.
Protein change: p.Gly573Ser; replaces glycine 573 with serine.
Molecular consequence: missense variant.
Genome position (GRCh38, 1-based): chrX:108,597,506, G>A. VCF-style: chrX-108597506-G-A. GRCh37 (hg19) VCF-style: chrX-107840736-G-A.
Other names: c.1717G>A, p.Gly573Ser (NM_000495.5); short protein forms G573S.
Identifiers: ClinVar variation 2636191 (VCV002636191.1), dbSNP rs2524308688, ClinGen allele CA413845461.

ClinVar aggregate classification (germline): Likely pathogenic (1 of 4 stars; one submission).

Conditions:
COL4A5-related disorder. Also called: COL4A5-related condition.

Submission:

PreventionGenetics, part of Exact Sciences
Classification: Likely pathogenic for COL4A5-related condition. Last evaluated: 2022-08-18. Review status: criteria provided, single submitter. Criteria: ACMG Guidelines, 2015. Collection method: clinical testing. Allele origin: germline.
Comment: The COL4A5 c.1717G>A variant is predicted to result in the amino acid substitution p.Gly573Ser. This variant was reported in the hemizygous state in a patient with Alport syndrome (Zhao et al 2019. PubMed ID: 30968591). This variant has not been reported in a large population database, indicating this variant is rare. The p.Gly573 residue resides in the triple-helical region (residues 42 – 1456) of the COL4A5 protein. The majority of pathogenic variants in COL4A5 substitute a glycine residue to a bulkier amino acid in the triple-helical domain (Hudson et al. 1993. PubMed ID: 8253711). We classify this variant as likely pathogenic.